The following is an entry in ClinVar:

NC_000006.11:g.(32007026_32007132)_(32007235_32007322)del

Gene: CYP21A2 (cytochrome P450 family 21 subfamily A member 2; plus strand). Cytogenetic location: 6p21.33.
Variant type: Deletion.
Identifiers: ClinVar variation 3366500 (VCV003366500.1).

ClinVar aggregate classification (germline): Pathogenic (1 of 4 stars; one submission).

Conditions:
Congenital adrenal hyperplasia. Identifiers: Orphanet 418, MedGen C0001627, MONDO:0018479, HP:0008258.

Submission:

Women's Health and Genetics/Laboratory Corporation of America, LabCorp
Classification: Pathogenic for Congenital adrenal hyperplasia. Last evaluated: 2024-08-05. Review status: criteria provided, single submitter. Criteria: LabCorp Variant Classification Summary - May 2015. Collection method: clinical testing. Allele origin: germline.
Comment: Variant summary: The variant involves the deletion of exon 4 in the CYP21A2 gene. A presumed nomenclature of c.(447+1_448-1)_(549+1_550-1)del has been designated for the purposes of this classification. This Copy Number Variant (CNV) is predicted to result in an in-frame deletion within this gene. The variant was absent in large population database (gnomAD, Structural Variants database). To our knowledge, no occurrence of exon 4 deletion in individuals affected with Congenital Adrenal Hyperplasia and no experimental evidence demonstrating its impact on protein function have been reported. However, a variant (c.518T>A; p.Ile173Asn) in the overlapping deleted region has been classified as pathogenic by our laboratory and others in ClinVar, indicating the functional importance of the deleted protein region. No submitters have cited clinical-significance assessments for this variant to ClinVar. Based on the evidence outlined above, the variant was classified as pathogenic.